The following is an entry in ClinVar:

ClinVar aggregate classification (germline): Likely pathogenic (1 of 4 stars; one submission).

Conditions:
Kabuki syndrome 2 (KABUK2). Also called: KDM6A-Related Kabuki Syndrome. Identifiers: Orphanet 2322, MedGen C3275495, MONDO:0010465, OMIM 300867.

Submission:

Labcorp Genetics (formerly Invitae), Labcorp
Classification: Likely pathogenic for Kabuki syndrome 2. Last evaluated: 2019-09-26. Review status: criteria provided, single submitter. Criteria: Invitae Variant Classification Sherloc (09022015). Collection method: clinical testing. Allele origin: germline.
Comment: In summary, the currently available evidence indicates that the variant is pathogenic, but additional data are needed to prove that conclusively. Therefore, this variant has been classified as Likely Pathogenic. Donor and acceptor splice site variants typically lead to a loss of protein function (PMID: 16199547), and loss-of-function variants in KDM6A are known to be pathogenic (PMID: 23076834, 23913813). This variant has not been reported in the literature in individuals with KDM6A-related conditions. This variant is not present in population databases (ExAC no frequency). This sequence change affects an acceptor splice site in intron 20 of the KDM6A gene. It is expected to disrupt RNA splicing and likely results in an absent or disrupted protein product.

Literature cited by the submitters: PubMed 16199547; PubMed 23076834; PubMed 23913813.

NM_001291415.2(KDM6A):c.3301-2A>G

Gene: KDM6A (lysine demethylase 6A; plus strand). Cytogenetic location: Xp11.3.
Variant type: single nucleotide variant.
Coding change: c.3301-2A>G on transcript NM_001291415.2 (MANE Select); the canonical splice acceptor site of the intron before coding-DNA position 3301, A replaced by G.
Molecular consequence: splice acceptor variant.
Genome position (GRCh38, 1-based): chrX:45,082,574, A>G. VCF-style: chrX-45082574-A-G. GRCh37 (hg19) VCF-style: chrX-44941819-A-G.
Other names: c.3145-2A>G (NM_021140.4); c.3043-2A>G (NM_001410742.1); c.3166-2A>G (NM_001291416.2); c.3010-2A>G (NM_001291417.2); c.2908-2A>G (NM_001291418.2); c.2257-2A>G (NM_001291421.2).
Identifiers: ClinVar variation 964077 (VCV000964077.8), dbSNP rs1195711941, ClinGen allele CA412802510.